The following is an entry in ClinVar:

ClinVar aggregate classification (germline): Pathogenic (1 of 4 stars; one submission).

Conditions:
Hereditary cancer-predisposing syndrome. Also called: Neoplastic Syndromes, Hereditary; Tumor predisposition; Hereditary Cancer Syndrome; Hereditary neoplastic syndrome. Identifiers: Orphanet 140162, MedGen C0027672, MeSH D009386, MONDO:0015356.

Submission:

Ambry Genetics
Classification: Pathogenic for Hereditary cancer-predisposing syndrome. Last evaluated: 2025-09-16. Review status: criteria provided, single submitter. Criteria: Ambry Variant Classification Scheme 2023. Collection method: clinical testing. Allele origin: germline.
Comment: The c.1483delG pathogenic mutation, located in coding exon 10 of the CTNNA1 gene, results from a deletion of one nucleotide at nucleotide position 1483, causing a translational frameshift with a predicted alternate stop codon (p.V495Sfs*29). This variant is considered to be rare based on population cohorts in the Genome Aggregation Database (gnomAD). This alteration is expected to result in loss of function by premature protein truncation or nonsense-mediated mRNA decay. As such, this alteration is interpreted as a disease-causing mutation.

NM_001903.5(CTNNA1):c.1483del (p.Val495fs)

Gene: CTNNA1 (catenin alpha 1; plus strand). Cytogenetic location: 5q31.2.
Variant type: Deletion.
Coding change: c.1483del on transcript NM_001903.5 (MANE Select); coding-DNA position 1483, one base deleted (G; older notation c.1483delG).
Protein change: p.Val495fs; shifts the reading frame from valine 495.
Molecular consequence: frameshift variant.
Genome position (GRCh38, 1-based): chr5:138,917,835, G deleted. VCF-style (leftmost placement, unchanged base first): chr5-138917834-AG-A. GRCh37 (hg19) VCF-style: chr5-138253523-AG-A.
Other names: c.1483del, p.Val495fs (NM_001290307.3, NM_001323982.2, NM_001323983.1 and 2 more transcripts); c.1174del, p.Val392fs (NM_001290309.3); c.1114del, p.Val372fs (NM_001290310.3); c.373del, p.Val125fs (NM_001290312.1, NM_001323987.1, NM_001323988.1 and 17 more transcripts); c.1390del, p.Val464fs (NM_001323986.2); c.34del, p.Val12fs (NM_001324006.1, NM_001324007.1, NM_001324008.1 and 2 more transcripts); c.280del, p.Val94fs (NM_001324011.1); c.130del, p.Val44fs (NM_001324012.1, NM_001324013.1); short protein forms V464fs, V372fs, V392fs, V44fs, V12fs, V94fs, V125fs, V495fs.
Identifiers: ClinVar variation 4635375 (VCV004635375.1).
Genomic context (GRCh38, chr5:138,917,834, plus strand): 5'-ACCACAGAGTAAACTGGCCCAAGAGAACATGGATCTTTTTAAAGAACAATGGGAAAAACA[AG>A]TCCGTGTTCTCACAGATGCTGTCGATGACATTACTTCCATTGATGACTTCTTGGCTGTCT-3'